The following is an entry in ClinVar:

ClinVar aggregate classification (germline): Pathogenic (1 of 4 stars; one submission).

Conditions:
Hereditary cancer-predisposing syndrome. Also called: Neoplastic Syndromes, Hereditary; Tumor predisposition; Hereditary Cancer Syndrome; Hereditary neoplastic syndrome. Identifiers: Orphanet 140162, MedGen C0027672, MeSH D009386, MONDO:0015356.

Submission:

Ambry Genetics
Classification: Pathogenic for Hereditary cancer-predisposing syndrome. Last evaluated: 2019-08-07. Review status: criteria provided, single submitter. Criteria: Ambry Variant Classification Scheme 2023. Collection method: clinical testing. Allele origin: germline.
Comment: The c.1898delC pathogenic mutation, located in coding exon 4 of the MSH6 gene, results from a deletion of one nucleotide at nucleotide position 1898, causing a translational frameshift with a predicted alternate stop codon (p.T633Ifs*2). This alteration is expected to result in loss of function by premature protein truncation or nonsense-mediated mRNA decay. As such, this alteration is interpreted as a disease-causing mutation.

NM_000179.3(MSH6):c.1898del (p.Thr633fs)

Gene: MSH6 (mutS homolog 6; plus strand). Cytogenetic location: 2p16.3.
Variant type: Deletion.
Coding change: c.1898del on transcript NM_000179.3 (MANE Select); coding-DNA position 1898, one base deleted (C; older notation c.1898delC).
Protein change: p.Thr633fs; shifts the reading frame from threonine 633.
Molecular consequence: frameshift variant.
Genome position (GRCh38, 1-based): chr2:47,799,881, C deleted. VCF-style (leftmost placement, unchanged base first): chr2-47799880-AC-A. GRCh37 (hg19) VCF-style: chr2-48027019-AC-A.
Other names: c.1508del, p.Thr503fs (NM_001281492.2); c.992del, p.Thr331fs (NM_001281493.2, NM_001281494.2); c.1898delC (NM_000179.2); short protein forms T633fs, T331fs, T503fs.
Identifiers: ClinVar variation 230508 (VCV000230508.5), dbSNP rs876658604, ClinGen allele CA10578083.
Genomic context (GRCh38, chr2:47,799,880, plus strand): 5'-TTGTCCTGTTCTCTTCAGGAAGGTCTGATACCCGGCTCCCAGTTTTGGGATGCATCCAAA[AC>A]TTTGAGAACTCTCCTTGAGGAAGAATATTTTAGGGAAAAGCTAAGTGATGGCATTGGGGT-3'